The following is an entry in ClinVar:

ClinVar aggregate classification (germline): Likely benign (1 of 4 stars; one submission).

Allele frequency attached by ClinVar (database versions not stated): gnomAD exomes below 0.00001; TOPMed below 0.00001.
gnomAD v4.1: 8 of 1,612,720 alleles (0.0005%); highest among the groups gnomAD compares: Middle Eastern, 0.017%; no homozygotes.

Submission:

GeneDx
Classification: Likely benign. Last evaluated: 2018-04-12. Review status: criteria provided, single submitter. Criteria: GeneDx Variant Classification (06012015). Collection method: clinical testing. Allele origin: germline. Affected: yes.
Comment: This variant is considered likely benign or benign based on one or more of the following criteria: it is a conservative change, it occurs at a poorly conserved position in the protein, it is predicted to be benign by multiple in silico algorithms, and/or has population frequency not consistent with disease.

NM_032861.4(SERAC1):c.853-3C>T

Gene: SERAC1 (serine active site containing 1; minus strand). Cytogenetic location: 6q25.3.
Variant type: single nucleotide variant.
Coding change: c.853-3C>T on transcript NM_032861.4 (MANE Select); 3 bases into the intron before coding-DNA position 853, C replaced by T.
Molecular consequence: intron variant.
Genome position (GRCh38, 1-based): chr6:158,128,273, G>A on the plus strand (C>T on the coding strand, the complement: SERAC1 is on the minus strand). VCF-style: chr6-158128273-G-A. GRCh37 (hg19) VCF-style: chr6-158549305-G-A.
Identifiers: ClinVar variation 681407 (VCV000681407.1), dbSNP rs1338848579, ClinGen allele CA571471038.